The following is an entry in ClinVar:

NM_015213.4(DENND5A):c.907A>G (p.Thr303Ala)

Gene: DENND5A (DENN domain containing 5A; minus strand). Cytogenetic location: 11p15.4.
Variant type: single nucleotide variant.
Coding change: c.907A>G on transcript NM_015213.4 (MANE Select); coding-DNA position 907, A replaced by G.
Protein change: p.Thr303Ala; replaces threonine 303 with alanine.
Molecular consequence: missense variant. On other transcripts: non-coding transcript variant (1).
Genome position (GRCh38, 1-based): chr11:9,203,702, T>C on the plus strand (A>G on the coding strand, the complement: DENND5A is on the minus strand). VCF-style: chr11-9203702-T-C. GRCh37 (hg19) VCF-style: chr11-9225249-T-C.
Other names: c.907A>G, p.Thr303Ala (NM_001243254.2, NM_001348748.1); c.835A>G, p.Thr279Ala (NM_001348749.2); c.619A>G, p.Thr207Ala (NM_001348750.2); short protein forms T279A, T303A, T207A.
Identifiers: ClinVar variation 2101461 (VCV002101461.4), dbSNP rs1849594521, ClinGen allele CA379596970.

ClinVar aggregate classification (germline): Uncertain significance (1 of 4 stars; one submission).

Allele frequency attached by ClinVar (database versions not stated): TOPMed below 0.00001.

Submission:

Labcorp Genetics (formerly Invitae), Labcorp
Classification: Uncertain significance. Last evaluated: 2022-08-07. Review status: criteria provided, single submitter. Criteria: Invitae Variant Classification Sherloc (09022015). Collection method: clinical testing. Allele origin: germline.
Comment: In summary, the available evidence is currently insufficient to determine the role of this variant in disease. Therefore, it has been classified as a Variant of Uncertain Significance. Algorithms developed to predict the effect of missense changes on protein structure and function are either unavailable or do not agree on the potential impact of this missense change (SIFT: "Deleterious"; PolyPhen-2: "Probably Damaging"; Align-GVGD: "Class C0"). This variant has not been reported in the literature in individuals affected with DENND5A-related conditions. This variant is not present in population databases (gnomAD no frequency). This sequence change replaces threonine, which is neutral and polar, with alanine, which is neutral and non-polar, at codon 303 of the DENND5A protein (p.Thr303Ala).